The following is an entry in ClinVar:

NM_001853.4(COL9A3):c.110C>T (p.Pro37Leu)

Gene: COL9A3 (collagen type IX alpha 3 chain; plus strand). Cytogenetic location: 20q13.33.
Variant type: single nucleotide variant.
Coding change: c.110C>T on transcript NM_001853.4 (MANE Select); coding-DNA position 110, C replaced by T.
Protein change: p.Pro37Leu; replaces proline 37 with leucine.
Molecular consequence: missense variant.
Genome position (GRCh38, 1-based): chr20:62,817,598, C>T. VCF-style: chr20-62817598-C-T. GRCh37 (hg19) VCF-style: chr20-61448950-C-T.
Other names: c.110C>T, p.Pro37Leu (LRG_1253t1); short protein forms P37L.
Identifiers: ClinVar variation 283360 (VCV000283360.40), dbSNP rs373605761, ClinGen allele CA9949005.

ClinVar aggregate classification (germline): Conflicting classifications of pathogenicity. Review status: criteria provided, conflicting classifications (1 of 4 stars). 9 submissions from 9 submitters: Uncertain significance (3); Likely benign (3). 3 of the submissions do not count toward it. Last evaluated 2026-02-09.

Conditions:
COL9A3-related disorder. Also called: COL9A3-related condition.

Allele frequency attached by ClinVar (database versions not stated): ESP Exome Variant Server 0.00039; TOPMed 0.00059; 1000 Genomes Project 30x 0.00078; 1000 Genomes Project 0.00080; gnomAD exomes 0.00083 and 0.00105; gnomAD 0.00088; ExAC 0.00115.
gnomAD v4.1: 1,571 of 1,547,366 alleles (0.1%); highest among the groups gnomAD compares: South Asian, 0.12%; no homozygotes.

Submissions (9):

Women's Health and Genetics/Laboratory Corporation of America, LabCorp
Classification: Likely benign. Last evaluated: 2026-02-09. Review status: criteria provided, single submitter. Criteria: LabCorp Variant Classification Summary - May 2015. Collection method: clinical testing. Allele origin: germline.
Comment: Variant summary: COL9A3 c.110C>T (p.Pro37Leu) results in a non-conservative amino acid change in the encoded protein sequence. Algorithms developed to predict the effect of missense changes on protein structure and function are either unavailable or do not agree on the potential impact of this missense change. The variant allele was found at a frequency of 0.00083 in 143226 control chromosomes, predominantly at a frequency of 0.0013 within the South Asian subpopulation in the gnomAD database. The observed variant frequency within South Asian control individuals in the gnomAD database exceeds the estimated maximal expected allele frequency for disease-causing variants in COL9A3. To our knowledge, no occurrence of c.110C>T in individuals affected with COL9A3-related conditions and no experimental evidence demonstrating its impact on protein function have been reported. ClinVar contains an entry for this variant (Variation ID: 283360). Based on the evidence outlined above, the variant was classified as likely benign.

Labcorp Genetics (formerly Invitae), Labcorp
Classification: Likely benign. Last evaluated: 2026-01-19. Review status: criteria provided, single submitter. Criteria: Invitae Variant Classification Sherloc (09022015). Collection method: clinical testing. Allele origin: germline.

CeGaT Center for Human Genetics Tuebingen
Classification: Uncertain significance. Last evaluated: 2026-01-01. Review status: criteria provided, single submitter. Criteria: CeGaT Center For Human Genetics Tuebingen Variant Classification Criteria Version 2. Collection method: clinical testing. Allele origin: germline. Affected: yes. Observed: 2 variant alleles.

GeneDx
Classification: Uncertain significance. Last evaluated: 2025-07-10. Review status: criteria provided, single submitter. Criteria: GeneDx Variant Classification Process June 2021. Collection method: clinical testing. Allele origin: germline. Affected: yes.
Comment: Reported in a cohort of individuals with age-related macular degeneration in published literature, although it was also identified in control alleles in this same study (PMID: 24036952); In silico analysis supports that this missense variant has a deleterious effect on protein structure/function; This variant is associated with the following publications: (PMID: 24036952)

Blueprint Genetics
Classification: Likely benign. Last evaluated: 2024-10-22. Review status: criteria provided, single submitter. Criteria: ACMG Guidelines, 2015. Collection method: clinical testing. Allele origin: germline.

Eurofins Ntd Llc (ga)
Classification: Uncertain significance. Last evaluated: 2017-09-27. Review status: criteria provided, single submitter. Criteria: EGL Classification Definitions 2015. Collection method: clinical testing. Allele origin: germline. Observed: 3 variant alleles, 3 heterozygotes.

PreventionGenetics, part of Exact Sciences
Classification: Uncertain significance for COL9A3-related condition. Last evaluated: 2024-07-08. Review status: no assertion criteria provided. Collection method: clinical testing. Allele origin: germline. Not counted in ClinVar's aggregate classification.
Comment: The COL9A3 c.110C>T variant is predicted to result in the amino acid substitution p.Pro37Leu. To our knowledge, this variant has not been reported in the literature. This variant is reported in 0.13% of alleles in individuals of South Asian descent in gnomAD, which may be too common to be an undocumented cause of disease. Although we suspect that this variant may be benign, at this time, the clinical significance of this variant is uncertain due to the absence of conclusive functional and genetic evidence.

Clinical Genetics DNA and cytogenetics Diagnostics Lab, Erasmus MC, Erasmus Medical Center
Classification: Likely benign. Review status: no assertion criteria provided. Collection method: clinical testing. Allele origin: germline. Affected: yes. Study: VKGL Data-share Consensus. Not counted in ClinVar's aggregate classification.

Laboratory of Diagnostic Genome Analysis, Leiden University Medical Center (LUMC)
Classification: Likely benign. Review status: no assertion criteria provided. Collection method: clinical testing. Allele origin: germline. Affected: yes. Study: VKGL Data-share Consensus. Not counted in ClinVar's aggregate classification.